The following is an entry in ClinVar:

NM_014806.5(RUSC2):c.1767G>A (p.Glu589=)

Gene: RUSC2 (RUN and SH3 domain containing 2; plus strand). Cytogenetic location: 9p13.3.
Variant type: single nucleotide variant.
Coding change: c.1767G>A on transcript NM_014806.5 (MANE Select); coding-DNA position 1767, G replaced by A.
Protein change: p.Glu589=; no amino-acid change (glutamic acid 589 retained).
Molecular consequence: synonymous variant. On other transcripts: intron variant (1).
Genome position (GRCh38, 1-based): chr9:35,548,288, G>A. VCF-style: chr9-35548288-G-A. GRCh37 (hg19) VCF-style: chr9-35548285-G-A.
Other names: c.1767G>A, p.Glu589= (NM_001135999.2); c.-620-6772G>A (NM_001330740.2).
Identifiers: ClinVar variation 1169067 (VCV001169067.30), dbSNP rs61741089, ClinGen allele CA5043727.

ClinVar aggregate classification (germline): Benign/Likely benign. Review status: criteria provided, multiple submitters, no conflicts (2 of 4 stars). 3 submissions from 3 submitters: Benign (2); Likely benign (1). Last evaluated 2026-01-28.

Allele frequency attached by ClinVar (database versions not stated): gnomAD exomes 0.00041 and 0.00090; ExAC 0.00104; 1000 Genomes Project 0.00359; 1000 Genomes Project 30x 0.00375; gnomAD 0.00381 and 0.00418; TOPMed 0.00446; ESP Exome Variant Server 0.00461.
gnomAD v4.1: 1,205 of 1,613,998 alleles (0.075%); highest among the groups gnomAD compares: African/African-American, 1.4%; 8 homozygotes.

Submissions (3):

Labcorp Genetics (formerly Invitae), Labcorp
Classification: Benign. Last evaluated: 2026-01-28. Review status: criteria provided, single submitter. Criteria: Invitae Variant Classification Sherloc (09022015). Collection method: clinical testing. Allele origin: germline.

Blueprint Genetics
Classification: Likely benign. Last evaluated: 2024-11-05. Review status: criteria provided, single submitter. Criteria: ACMG Guidelines, 2015. Collection method: clinical testing. Allele origin: germline.

CeGaT Center for Human Genetics Tuebingen
Classification: Benign. Last evaluated: 2024-04-01. Review status: criteria provided, single submitter. Criteria: CeGaT Center For Human Genetics Tuebingen Variant Classification Criteria Version 2. Collection method: clinical testing. Allele origin: germline. Affected: yes. Observed: 1 variant allele.
Comment: RUSC2: BP4, BP7, BS1, BS2